The following is an entry in ClinVar:

NM_000059.4(BRCA2):c.3570del (p.Lys1191fs)

Gene: BRCA2 (BRCA2 DNA repair associated; plus strand). Cytogenetic location: 13q13.1.
Variant type: Deletion.
Coding change: c.3570del on transcript NM_000059.4 (MANE Select); coding-DNA position 3570, one base deleted (G; older notation c.3570delG).
Protein change: p.Lys1191fs; shifts the reading frame from lysine 1191.
Molecular consequence: frameshift variant.
Genome position (GRCh38, 1-based): chr13:32,337,925, G deleted; the last of 2 consecutive G bases (chr13:32,337,924-32,337,925); deleting either gives the same sequence. VCF-style (leftmost placement, unchanged base first): chr13-32337923-CG-C. GRCh37 (hg19) VCF-style: chr13-32912060-CG-C.
Other names: 3798delG; c.3570delG (NM_000059.3).
Identifiers: ClinVar variation 51489 (VCV000051489.22), dbSNP rs80359390, ClinGen allele CA018365.

ClinVar aggregate classification (germline): Pathogenic. Review status: reviewed by expert panel (3 of 4 stars). 9 submissions from 9 submitters: Pathogenic (1). 8 of the submissions do not count toward it. Last evaluated 2016-09-08.

Conditions:
BRCA2-related disorder. Also called: BRCA2-related condition; BRCA2-related disorders. Identifiers: MedGen CN239275.
Hereditary cancer-predisposing syndrome. Also called: Tumor predisposition; Neoplastic Syndromes, Hereditary; Hereditary neoplastic syndrome; Hereditary Cancer Syndrome. Identifiers: Orphanet 140162, MedGen C0027672, MeSH D009386, MONDO:0015356.
Hereditary breast ovarian cancer syndrome. Also called: Hereditary breast and ovarian cancer; BRCA1- and BRCA2-Associated Hereditary Breast and Ovarian Cancer; Hereditary breast and/or ovarian cancer syndrome; Hereditary breast and ovarian cancer syndrome; Breast and ovarian cancer; Hereditary breast and ovarian cancer syndrome (HBOC). Identifiers: Orphanet 145, MedGen C0677776, MeSH D061325, MONDO:0003582. Disease mechanism: loss of function.
Breast-ovarian cancer, familial, susceptibility to, 2 (BROVCA2). Also called: BRCA2 Hereditary Breast and Ovarian Cancer. Identifiers: Orphanet 145, MedGen C2675520, MONDO:0012933, OMIM 612555. Disease mechanism: loss of function.

Submissions (9):

Evidence-based Network for the Interpretation of Germline Mutant Alleles (ENIGMA)
Classification: Pathogenic for Breast-ovarian cancer, familial, susceptibility to, 2. Last evaluated: 2016-09-08. Review status: reviewed by expert panel. Criteria: ENIGMA BRCA1/2 Classification Criteria (2015). Collection method: curation. Allele origin: germline.
Comment: Variant allele predicted to encode a truncated non-functional protein.

Women's Health and Genetics/Laboratory Corporation of America, LabCorp
Classification: Pathogenic for Hereditary breast ovarian cancer syndrome. Last evaluated: 2023-04-17. Review status: criteria provided, single submitter. Criteria: LabCorp Variant Classification Summary - May 2015. Collection method: clinical testing. Allele origin: germline. Not counted in ClinVar's aggregate classification.
Comment: Variant summary: BRCA2 c.3570delG (p.Lys1191SerfsX6) results in a premature termination codon, predicted to cause a truncation of the encoded protein or absence of the protein due to nonsense mediated decay, which are commonly known mechanisms for disease. Truncations downstream of this position have been classified as pathogenic by our laboratory. The variant was absent in 251026 control chromosomes. c.3570delG has been reported in the literature in individuals affected with Hereditary Breast And Ovarian Cancer Syndrome or prostate cancer (De Leon Matsuda_2002, Kwong_2015, Nguyen-Dumont_2020, Rebbeck_2018). These data indicate that the variant is likely to be associated with disease. Six submitters, including an expert panel (ENIGMA), have submitted clinical-significance assessments for this variant to ClinVar after 2014, and classified the variant as pathogenic. Based on the evidence outlined above, the variant was classified as pathogenic.

Labcorp Genetics (formerly Invitae), Labcorp
Classification: Pathogenic for Hereditary breast ovarian cancer syndrome. Last evaluated: 2021-07-27. Review status: criteria provided, single submitter. Criteria: Invitae Variant Classification Sherloc (09022015). Collection method: clinical testing. Allele origin: germline. Not counted in ClinVar's aggregate classification.
Comment: For these reasons, this variant has been classified as Pathogenic. This variant has been observed in individual(s) with breast cancer (PMID: 11920621). This variant is also known as 3798delG. ClinVar contains an entry for this variant (Variation ID: 51489). This variant is not present in population databases (ExAC no frequency). This sequence change creates a premature translational stop signal (p.Lys1191Serfs*6) in the BRCA2 gene. It is expected to result in an absent or disrupted protein product. Loss-of-function variants in BRCA2 are known to be pathogenic (PMID: 20104584).

Blueprint Genetics
Classification: Pathogenic for BRCA2-related disorders. Last evaluated: 2021-07-20. Review status: criteria provided, single submitter. Criteria: ACMG Guidelines, 2015. Collection method: clinical testing. Allele origin: germline. Affected: yes. Observed: 1 variant allele. Not counted in ClinVar's aggregate classification.

Color Diagnostics, LLC DBA Color Health
Classification: Pathogenic for Hereditary cancer-predisposing syndrome. Last evaluated: 2021-06-08. Review status: criteria provided, single submitter. Criteria: ACMG Guidelines, 2015. Collection method: clinical testing. Allele origin: germline. Not counted in ClinVar's aggregate classification.
Comment: This variant deletes 1 nucleotide in exon 11 of the BRCA2 gene, creating a frameshift and premature translation stop signal. This variant is expected to result in an absent or non-functional protein product. To our knowledge, functional studies have not been reported for this variant. This variant has been detected in at least one individual each affected with breast or ovarian cancer (PMID: 11920621, 32872764) and in two suspected hereditary breast and ovarian cancer families (PMID: 29446198). This variant has not been identified in the general population by the Genome Aggregation Database (gnomAD). Loss of BRCA2 function is a known mechanism of disease. Based on the available evidence, this variant is classified as Pathogenic.

Ambry Genetics
Classification: Pathogenic for Hereditary cancer-predisposing syndrome. Last evaluated: 2020-02-26. Review status: criteria provided, single submitter. Criteria: Ambry Variant Classification Scheme 2023. Collection method: clinical testing. Allele origin: germline. Not counted in ClinVar's aggregate classification.
Comment: The c.3570delG pathogenic mutation, located in coding exon 10 of the BRCA2 gene, results from a deletion of one nucleotide at nucleotide position 3570, causing a translational frameshift with a predicted alternate stop codon (p.K1191Sfs*6). This alteration was also identified in a large, worldwide study of BRCA1/2 mutation positive families (Rebbeck TR et al. Hum. Mutat., 2018 05;39:593-620). This alteration is also reported as 3798delG in the published literature. In addition to the clinical data presented in the literature, this alteration is expected to result in loss of function by premature protein truncation or nonsense-mediated mRNA decay. As such, this alteration is interpreted as a disease-causing mutation.

Quest Diagnostics Nichols Institute San Juan Capistrano
Classification: Pathogenic. Last evaluated: 2017-06-12. Review status: criteria provided, single submitter. Criteria: Quest Diagnostics criteria. Collection method: clinical testing. Allele origin: germline. Not counted in ClinVar's aggregate classification.

Consortium of Investigators of Modifiers of BRCA1/2 (CIMBA), c/o University of Cambridge
Classification: Pathogenic for Breast-ovarian cancer, familial, susceptibility to, 2. Last evaluated: 2015-10-02. Review status: criteria provided, single submitter. Criteria: CIMBA Mutation Classification guidelines May 2016. Collection method: clinical testing. Allele origin: germline. Not counted in ClinVar's aggregate classification.

Breast Cancer Information Core (BIC) (BRCA2)
Classification: Pathogenic for Breast-ovarian cancer, familial 2. Last evaluated: 2002-05-29. Review status: no assertion criteria provided. Collection method: clinical testing. Allele origin: germline. Affected: yes. Observed: 1 variant allele. Not counted in ClinVar's aggregate classification.

Literature cited by the submitters: PubMed 11920621 (cited by 4 submitters); PubMed 26187060 (cited by Women's Health and Genetics/Laboratory Corporation of America, LabCorp); PubMed 29446198 (cited by Women's Health and Genetics/Laboratory Corporation of America, LabCorp and Ambry Genetics); PubMed 32338768 (cited by Women's Health and Genetics/Laboratory Corporation of America, LabCorp); PubMed 20104584 (cited by Labcorp Genetics (formerly Invitae), Labcorp).